The following is an entry in ClinVar:

ClinVar aggregate classification (germline): Uncertain significance. Review status: criteria provided, multiple submitters, no conflicts (2 of 4 stars). 4 submissions from 4 submitters: Uncertain significance (4). Last evaluated 2025-02-25.

Conditions:
Cardiomyopathy (CMYO). Also called: Cardiomyopathies. Identifiers: Orphanet 167848, MedGen C0878544, MONDO:0004994, HP:0001638. Inheritance: Various modes of inheritance.
Arrhythmogenic right ventricular dysplasia 5. Also called: Arrhythmogenic Right Ventricular Dysplasia/Cardiomyopathy 5; ARRHYTHMOGENIC RIGHT VENTRICULAR DYSPLASIA, FAMILIAL, 5. Identifiers: MedGen C1858379, MONDO:0011459, OMIM 604400.

Allele frequency attached by ClinVar (database versions not stated): ExAC 0.00001.
gnomAD v4.1: 3 of 1,614,024 alleles (0.00019%); highest among the groups gnomAD compares: Non-Finnish European, 0.00025%; no homozygotes.

Submissions (4):

GeneDx
Classification: Uncertain significance. Last evaluated: 2025-02-25. Review status: criteria provided, single submitter. Criteria: GeneDx Variant Classification Process June 2021. Collection method: clinical testing. Allele origin: germline. Affected: yes.
Comment: Not observed at significant frequency in large population cohorts (gnomAD); In silico analysis supports that this missense variant has a deleterious effect on protein structure/function; In silico analysis supports that this missense variant has a deleterious effect on splicing; Has not been previously published as pathogenic or benign to our knowledge

Labcorp Genetics (formerly Invitae), Labcorp
Classification: Uncertain significance for Arrhythmogenic right ventricular dysplasia 5. Last evaluated: 2023-05-15. Review status: criteria provided, single submitter. Criteria: Invitae Variant Classification Sherloc (09022015). Collection method: clinical testing. Allele origin: germline.
Comment: In summary, the available evidence is currently insufficient to determine the role of this variant in disease. Therefore, it has been classified as a Variant of Uncertain Significance. Variants that disrupt the consensus splice site are a relatively common cause of aberrant splicing (PMID: 17576681, 9536098). Algorithms developed to predict the effect of sequence changes on RNA splicing suggest that this variant may disrupt the consensus splice site. An algorithm developed to predict the effect of missense changes on protein structure and function (PolyPhen-2) suggests that this variant is likely to be disruptive. ClinVar contains an entry for this variant (Variation ID: 921641). This variant has not been reported in the literature in individuals affected with TMEM43-related conditions. This variant is present in population databases (rs746126153, gnomAD 0.0009%). This sequence change replaces glutamic acid, which is acidic and polar, with aspartic acid, which is acidic and polar, at codon 54 of the TMEM43 protein (p.Glu54Asp). This variant also falls at the last nucleotide of exon 2, which is part of the consensus splice site for this exon.

All of Us Research Program, National Institutes of Health
Classification: Uncertain significance for Arrhythmogenic right ventricular dysplasia 5. Last evaluated: 2023-03-28. Review status: criteria provided, single submitter. Criteria: ACMG Guidelines, 2015. Collection method: clinical testing. Allele origin: germline. Inheritance: Autosomal dominant inheritance. Observed: 1 variant allele, 1 heterozygote.
Comment: Variant of Uncertain Significance due to insufficient evidence: This variant is located in the TMEM43 protein. Computational prediction tools and conservation analyses are inconclusive regarding the impact of this variant on the protein function. Computational splicing tools suggest that this variant may impact RNA splicing. To our knowledge, functional assays have not been performed for this variant nor has this variant been reported in individuals affected with cardiovascular disorders in the literature. This variant has been identified in 1/245070 chromosomes in the general population by the Genome Aggregation Database (gnomAD). Available evidence is insufficient to determine the role of this variant in disease conclusively.

This study involves interpretation of variants in research participants for the purpose of population health screening. Participant phenotype was not available at the time of variant classification. Additional details can be found in publication PMID: 35346344, PMCID: PMC8962531

Color Diagnostics, LLC DBA Color Health
Classification: Uncertain significance for Cardiomyopathy. Last evaluated: 2019-02-22. Review status: criteria provided, single submitter. Criteria: ACMG Guidelines, 2015. Collection method: clinical testing. Allele origin: germline.
Comment: Variant of Uncertain Significance due to insufficient evidence: This variant is located in the TMEM43 protein. Computational prediction tools and conservation analyses are inconclusive regarding the impact of this variant on the protein function. Computational splicing tools suggest that this variant may impact RNA splicing. To our knowledge, functional assays have not been performed for this variant nor has this variant been reported in individuals affected with cardiovascular disorders in the literature. This variant has been identified in 1/245070 chromosomes in the general population by the Genome Aggregation Database (gnomAD). Available evidence is insufficient to determine the role of this variant in disease conclusively.

Literature cited by the submitters: PubMed 17576681 (cited by Labcorp Genetics (formerly Invitae), Labcorp); PubMed 9536098 (cited by Labcorp Genetics (formerly Invitae), Labcorp).

NM_024334.3(TMEM43):c.162G>C (p.Glu54Asp)

Gene: TMEM43 (transmembrane protein 43; plus strand). Cytogenetic location: 3p25.1.
Variant type: single nucleotide variant.
Coding change: c.162G>C on transcript NM_024334.3 (MANE Select); coding-DNA position 162, G replaced by C.
Protein change: p.Glu54Asp; replaces glutamic acid 54 with aspartic acid.
Molecular consequence: missense variant.
Genome position (GRCh38, 1-based): chr3:14,129,561, G>C. VCF-style: chr3-14129561-G-C. GRCh37 (hg19) VCF-style: chr3-14171061-G-C.
Other names: short protein forms E54D.
Identifiers: ClinVar variation 921641 (VCV000921641.8), dbSNP rs746126153, ClinGen allele CA051939.